The following is an entry in ClinVar:

ClinVar aggregate classification (germline): Benign. Review status: criteria provided, multiple submitters, no conflicts (2 of 4 stars). 4 submissions from 4 submitters: Benign (4). Last evaluated 2026-09-21.

Conditions:
Atrial conduction disease. Identifiers: Orphanet 436242, MedGen CN221670, MONDO:0014500.

Allele frequency attached by ClinVar (database versions not stated): gnomAD 0.92549 and 0.92886; TOPMed 0.92778; ESP Exome Variant Server 0.92188; 1000 Genomes Project 0.93910; 1000 Genomes Project 30x 0.93645; ExAC 0.94290; gnomAD exomes 0.94402.
gnomAD v4.1: 1,518,356 of 1,610,316 alleles (94%); highest among the groups gnomAD compares: East Asian, 100%; 716,212 homozygotes.

Submissions (4):

Molecular Diagnostic Laboratory for Inherited Cardiovascular Disease, Montreal Heart Institute
Classification: Benign. Last evaluated: 2026-09-21. Review status: criteria provided, single submitter. Criteria: ACMG Guidelines, 2015. Collection method: clinical testing. Allele origin: germline. Affected: no.
Comment: BA1

Genome-Nilou Lab
Classification: Benign for Cardiac conduction disease with or without dilated cardiomyopathy 1. Last evaluated: 2021-09-10. Review status: criteria provided, single submitter. Criteria: ACMG Guidelines, 2015. Collection method: clinical testing. Allele origin: germline. Affected: no.

GeneDx
Classification: Benign. Last evaluated: 2018-09-04. Review status: criteria provided, single submitter. Criteria: GeneDx Variant Classification Process June 2021. Collection method: clinical testing. Allele origin: germline. Affected: yes.

Breakthrough Genomics
Classification: Benign. Review status: criteria provided, single submitter. Criteria: ACMG Guidelines, 2015. Collection method: not provided. Allele origin: germline. Inheritance: Autosomal dominant inheritance. Affected: yes.

NM_015978.3(TNNI3K):c.1027+33T>G

Genes: TNNI3K (TNNI3 interacting kinase; plus strand), FPGT-TNNI3K (FPGT-TNNI3K readthrough; plus strand). Cytogenetic location: 1p31.1.
Variant type: single nucleotide variant.
Coding change: c.1027+33T>G on transcript NM_015978.3 (MANE Select); 33 bases into the intron after coding-DNA position 1027, T replaced by G.
Molecular consequence: intron variant.
Genome position (GRCh38, 1-based): chr1:74,353,393, T>G. VCF-style: chr1-74353393-T-G. GRCh37 (hg19) VCF-style: chr1-74819077-T-G.
Other names: c.1027+33T>G (NM_015978.2); c.1330+33T>G (NM_001112808.3, NM_001199327.2).
Identifiers: ClinVar variation 1243463 (VCV001243463.7), dbSNP rs6424586, ClinGen allele CA909111.